The following is an entry in ClinVar:

NM_000067.3(CA2):c.281A>G (p.His94Arg)

Gene: CA2 (carbonic anhydrase 2; plus strand). Cytogenetic location: 8q21.2.
Variant type: single nucleotide variant.
Coding change: c.281A>G on transcript NM_000067.3 (MANE Select); coding-DNA position 281, A replaced by G.
Protein change: p.His94Arg; replaces histidine 94 with arginine.
Molecular consequence: missense variant. On other transcripts: intron variant (1).
Genome position (GRCh38, 1-based): chr8:85,473,741, A>G. VCF-style: chr8-85473741-A-G. GRCh37 (hg19) VCF-style: chr8-86385970-A-G.
Other names: c.49-583A>G (NM_001293675.2); short protein forms H94R.
Identifiers: ClinVar variation 1476471 (VCV001476471.7), dbSNP rs2130558149, ClinGen allele CA371428364.
Genomic context (GRCh38, chr8:85,473,741, plus strand): 5'-TTTTAATTTTAGTGCTCAAGGGAGGACCCCTGGATGGCACTTACAGATTGATTCAGTTTC[A>G]CTTTCACTGGGGTTCACTTGATGGACAAGGTTCAGAGCATACTGTGGATAAAAAGAAATA-3'
Protein context (NP_000058.1, residues 84-104): LDGTYRLIQF[His94Arg]FHWGSLDGQG

ClinVar aggregate classification (germline): Uncertain significance. Review status: criteria provided, multiple submitters, no conflicts (2 of 4 stars). 2 submissions from 2 submitters: Uncertain significance (2). Last evaluated 2021-10-10.

Conditions:
Osteopetrosis with renal tubular acidosis (OPTB3). Also called: Autosomal recessive osteopetrosis 3. Identifiers: Orphanet 2785, MedGen C0345407, MONDO:0009818, OMIM 259730.

Allele frequency attached by ClinVar (database versions not stated): gnomAD exomes below 0.00001.

Submissions (2):

Labcorp Genetics (formerly Invitae), Labcorp
Classification: Uncertain significance. Last evaluated: 2021-10-10. Review status: criteria provided, single submitter. Criteria: Invitae Variant Classification Sherloc (09022015). Collection method: clinical testing. Allele origin: germline.
Comment: In summary, the available evidence is currently insufficient to determine the role of this variant in disease. Therefore, it has been classified as a Variant of Uncertain Significance. This sequence change replaces histidine with arginine at codon 94 of the CA2 protein (p.His94Arg). The histidine residue is highly conserved and there is a small physicochemical difference between histidine and arginine. This variant is not present in population databases (ExAC no frequency). This variant has not been reported in the literature in individuals affected with CA2-related conditions. Algorithms developed to predict the effect of missense changes on protein structure and function (SIFT, PolyPhen-2, Align-GVGD) all suggest that this variant is likely to be disruptive. This variant disrupts the p.His94 amino acid residue in CA2. Other variant(s) that disrupt this residue have been determined to be pathogenic (PMID: 15300855). This suggests that this residue is clinically significant, and that variants that disrupt this residue are likely to be disease-causing.

Fulgent Genetics
Classification: Uncertain significance for Osteopetrosis with renal tubular acidosis. Last evaluated: 2021-07-09. Review status: criteria provided, single submitter. Criteria: ACMG Guidelines, 2015. Collection method: clinical testing. Allele origin: unknown.

Literature cited by the submitters: PubMed 15300855 (cited by Labcorp Genetics (formerly Invitae), Labcorp).